The following is an entry in ClinVar:

NM_004484.4(GPC3):c.611A>G (p.Asp204Gly)

Gene: GPC3 (glypican 3; minus strand). Cytogenetic location: Xq26.2.
Variant type: single nucleotide variant.
Coding change: c.611A>G on transcript NM_004484.4 (MANE Select); coding-DNA position 611, A replaced by G.
Protein change: p.Asp204Gly; replaces aspartic acid 204 with glycine.
Molecular consequence: missense variant.
Genome position (GRCh38, 1-based): chrX:133,753,903, T>C on the plus strand (A>G on the coding strand, the complement: GPC3 is on the minus strand). VCF-style: chrX-133753903-T-C. GRCh37 (hg19) VCF-style: chrX-132887930-T-C.
Other names: c.611A>G, p.Asp204Gly (NM_001164617.2); c.563A>G, p.Asp188Gly (NM_001164618.2); c.449A>G, p.Asp150Gly (NM_001164619.2); short protein forms D150G, D188G, D204G.
Identifiers: ClinVar variation 845397 (VCV000845397.10), dbSNP rs1290496193, ClinGen allele CA414706248.
Genomic context (GRCh38, chrX:133,753,903, plus strand): 5'-TGCAGTGACTTGGAAACCTGGGTCATAATAAGCTTGGGGAAATTCCCAAATACTTTCAGG[T>C]CACGTCTTGCTCCTCGGAGGCACTCATTGATGTCCAAGGCTGAATCAGGCAGGCCTGGGT-3'
Protein context (NP_004475.1, residues 194-214): INECLRGARR[Asp204Gly]LKVFGNFPKL

ClinVar aggregate classification (germline): Uncertain significance (1 of 4 stars; one submission).

Conditions:
Wilms tumor 1 (WT1). Also called: Wilms tumor, somatic. Identifiers: Orphanet 654, MedGen CN033288, MONDO:0008679, OMIM 194070.

Allele frequency attached by ClinVar (database versions not stated): gnomAD exomes below 0.00001 and 0.00001.
gnomAD v4.1: 2 of 1,211,741 alleles (0.00017%); highest among the groups gnomAD compares: East Asian, 0.0059%; no homozygotes.

Submission:

Labcorp Genetics (formerly Invitae), Labcorp
Classification: Uncertain significance for Wilms tumor 1. Last evaluated: 2019-01-04. Review status: criteria provided, single submitter. Criteria: Invitae Variant Classification Sherloc (09022015). Collection method: clinical testing. Allele origin: germline.
Comment: This sequence change replaces aspartic acid with glycine at codon 204 of the GPC3 protein (p.Asp204Gly). The aspartic acid residue is highly conserved and there is a moderate physicochemical difference between aspartic acid and glycine. In summary, the available evidence is currently insufficient to determine the role of this variant in disease. Therefore, it has been classified as a Variant of Uncertain Significance. Algorithms developed to predict the effect of missense changes on protein structure and function are either unavailable or do not agree on the potential impact of this missense change (SIFT: "Tolerated"; PolyPhen-2: "Possibly Damaging"; Align-GVGD: "Class C0"). This variant has not been reported in the literature in individuals with GPC3-related conditions. This variant is not present in population databases (ExAC no frequency).